The following is an entry in ClinVar:

ClinVar aggregate classification (germline): Pathogenic (1 of 4 stars; one submission).

gnomAD v4.1: 1 of 1,613,722 alleles (0.000062%); highest among the groups gnomAD compares: South Asian, 0.0011%; no homozygotes.

Submission:

Labcorp Genetics (formerly Invitae), Labcorp
Classification: Pathogenic. Last evaluated: 2021-11-10. Review status: criteria provided, single submitter. Criteria: Invitae Variant Classification Sherloc (09022015). Collection method: clinical testing. Allele origin: germline.
Comment: This sequence change creates a premature translational stop signal (p.Trp145*) in the TSPAN12 gene. It is expected to result in an absent or disrupted protein product. Loss-of-function variants in TSPAN12 are known to be pathogenic (PMID: 20159112, 21334594). This variant is not present in population databases (gnomAD no frequency). This variant has not been reported in the literature in individuals affected with TSPAN12-related conditions. For these reasons, this variant has been classified as Pathogenic.

Literature cited by the submitters: PubMed 20159112; PubMed 21334594.

NM_012338.4(TSPAN12):c.434G>A (p.Trp145Ter)

Gene: TSPAN12 (tetraspanin 12; minus strand). Cytogenetic location: 7q31.31.
Variant type: single nucleotide variant.
Coding change: c.434G>A on transcript NM_012338.4 (MANE Select); coding-DNA position 434, G replaced by A.
Protein change: p.Trp145Ter; replaces tryptophan 145 with a stop codon.
Molecular consequence: nonsense.
Genome position (GRCh38, 1-based): chr7:120,810,497, C>T on the plus strand (G>A on the coding strand, the complement: TSPAN12 is on the minus strand). VCF-style: chr7-120810497-C-T. GRCh37 (hg19) VCF-style: chr7-120450551-C-T.
Other names: short protein forms W145*.
Identifiers: ClinVar variation 1403438 (VCV001403438.6), dbSNP rs2116363345, ClinGen allele CA369137434.